The following is an entry in ClinVar:

NM_138927.4(SON):c.5510G>A (p.Arg1837His)

Gene: SON (SON DNA and RNA binding protein; plus strand). Cytogenetic location: 21q22.11.
Variant type: single nucleotide variant.
Coding change: c.5510G>A on transcript NM_138927.4 (MANE Select); coding-DNA position 5510, G replaced by A.
Protein change: p.Arg1837His; replaces arginine 1837 with histidine.
Molecular consequence: missense variant. On other transcripts: non-coding transcript variant (1), intron variant (1).
Genome position (GRCh38, 1-based): chr21:33,554,741, G>A. VCF-style: chr21-33554741-G-A. GRCh37 (hg19) VCF-style: chr21-34927047-G-A.
Other names: c.5510G>A, p.Arg1837His (NM_001291411.2, NM_001412133.1, NM_032195.3 and 2 more transcripts); c.245-2415G>A (NM_001291412.3); short protein forms R1837H.
Identifiers: ClinVar variation 2196219 (VCV002196219.28), dbSNP rs200910529, ClinGen allele CA10009753.

ClinVar aggregate classification (germline): Likely benign. Review status: criteria provided, multiple submitters, no conflicts (2 of 4 stars). 2 submissions from 2 submitters: Likely benign (2). Last evaluated 2026-09-01.

Allele frequency attached by ClinVar (database versions not stated): gnomAD 0.00007; ESP Exome Variant Server 0.00008; TOPMed 0.00014; ExAC 0.00017.

Submissions (2):

CeGaT Center for Human Genetics Tuebingen
Classification: Likely benign. Last evaluated: 2026-09-01. Review status: criteria provided, single submitter. Criteria: CeGaT Center For Human Genetics Tuebingen Variant Classification Criteria Version 2. Collection method: clinical testing. Allele origin: germline. Affected: yes. Observed: 4 variant alleles.
Comment: SON: BP4

Labcorp Genetics (formerly Invitae), Labcorp
Classification: Likely benign. Last evaluated: 2026-01-15. Review status: criteria provided, single submitter. Criteria: Invitae Variant Classification Sherloc (09022015). Collection method: clinical testing. Allele origin: germline.